The following is an entry in ClinVar:

NM_002834.5(PTPN11):c.1144G>A (p.Val382Ile)

Gene: PTPN11 (protein tyrosine phosphatase non-receptor type 11; plus strand). Cytogenetic location: 12q24.13.
Variant type: single nucleotide variant.
Coding change: c.1144G>A on transcript NM_002834.5 (MANE Select); coding-DNA position 1144, G replaced by A.
Protein change: p.Val382Ile; replaces valine 382 with isoleucine.
Molecular consequence: missense variant.
Genome position (GRCh38, 1-based): chr12:112,482,125, G>A. VCF-style: chr12-112482125-G-A. GRCh37 (hg19) VCF-style: chr12-112919929-G-A.
Other names: c.1144G>A (NM_002834.4); c.1144G>A, p.Val382Ile (NM_001330437.2, NM_080601.3); c.1141G>A, p.Val381Ile (NM_001374625.1); short protein forms V382I, V381I.
Identifiers: ClinVar variation 597106 (VCV000597106.51), dbSNP rs1214510641, ClinGen allele CA386775721.
Genomic context (GRCh38, chr12:112,482,125, plus strand): 5'-CTCTTCCAGAGTAAATGTGTCAAATACTGGCCTGATGAGTATGCTCTAAAAGAATATGGC[G>A]TCATGCGTGTTAGGAACGTCAAAGAAAGCGCCGCTCATGACTATACGCTAAGAGAACTTA-3'
Protein context (NP_002825.3, residues 372-392): PDEYALKEYG[Val382Ile]MRVRNVKESA

ClinVar aggregate classification (germline): Uncertain significance. Review status: criteria provided, multiple submitters, no conflicts (2 of 4 stars). 7 submissions from 7 submitters: Uncertain significance (7). Last evaluated 2026-03-23.

Conditions:
Cardiovascular phenotype. Identifiers: MedGen CN230736.
RASopathy. Also called: rasopathies; Noonan spectrum disorder. Identifiers: Orphanet 536391, MedGen C5555857, MONDO:0021060.
PTPN11-related disorder. Also called: PTPN11-Related Disorders.
Juvenile myelomonocytic leukemia (JMML). Also called: LEUKEMIA, JUVENILE MYELOMONOCYTIC, SOMATIC. Identifiers: Orphanet 86834, MedGen C0349639, MONDO:0011908, OMIM 607785, HP:0012209.
Metachondromatosis (METCDS). Identifiers: Orphanet 2499, MedGen C0410530, MONDO:0007979, OMIM 156250.
LEOPARD syndrome 1 (LPRD1). Also called: PTPN11-Related LEOPARD Syndrome; LENTIGINOSIS, CARDIOMYOPATHIC; MULTIPLE LENTIGINES SYNDROME. Identifiers: Orphanet 500, MedGen C4551484, MONDO:0100082, OMIM 151100.
Noonan syndrome 1 (NS1). Also called: PTPN11-Related Noonan Syndrome; TURNER PHENOTYPE WITH NORMAL KARYOTYPE; FEMALE PSEUDO-TURNER SYNDROME. Identifiers: Orphanet 648, MedGen C4551602, MONDO:0008104, OMIM 163950. Disease mechanism: gain of function.

Allele frequency attached by ClinVar (database versions not stated): gnomAD exomes below 0.00001 and 0.00001; TOPMed 0.00002.
gnomAD v4.1: 8 of 1,597,370 alleles (0.0005%); highest among the groups gnomAD compares: Middle Eastern, 0.05%; no homozygotes.

Submissions (7):

PreventionGenetics, part of Exact Sciences
Classification: Uncertain significance for PTPN11-related condition. Last evaluated: 2026-03-23. Review status: criteria provided, single submitter. Criteria: ACMG Guidelines, 2015. Collection method: clinical testing. Allele origin: germline.
Comment: The PTPN11 c.1144G>A variant is predicted to result in the amino acid substitution p.Val382Ile. This variant has been reported as a variant of uncertain significance in one case of suspected prenatal Noonan syndrome (Table S2, Leach et al. 2019. PubMed ID: 29907801). This variant is reported in 0.0029% of alleles in individuals of Latino descent in gnomAD. At this time, the clinical significance of this variant is uncertain due to the absence of conclusive functional and genetic evidence.

Labcorp Genetics (formerly Invitae), Labcorp
Classification: Uncertain significance for RASopathy. Last evaluated: 2025-09-29. Review status: criteria provided, single submitter. Criteria: Invitae Variant Classification Sherloc (09022015). Collection method: clinical testing. Allele origin: germline.
Comment: This sequence change replaces valine, which is neutral and non-polar, with isoleucine, which is neutral and non-polar, at codon 382 of the PTPN11 protein (p.Val382Ile). This variant is present in population databases (no rsID available, gnomAD 0.003%). This variant has not been reported in the literature in individuals affected with PTPN11-related conditions. ClinVar contains an entry for this variant (Variation ID: 597106). Invitae Evidence Modeling of protein sequence and biophysical properties (such as structural, functional, and spatial information, amino acid conservation, physicochemical variation, residue mobility, and thermodynamic stability) indicates that this missense variant is not expected to disrupt PTPN11 protein function with a negative predictive value of 80%. In summary, the available evidence is currently insufficient to determine the role of this variant in disease. Therefore, it has been classified as a Variant of Uncertain Significance.

Ambry Genetics
Classification: Uncertain significance for Cardiovascular phenotype. Last evaluated: 2025-09-26. Review status: criteria provided, single submitter. Criteria: Ambry Variant Classification Scheme 2023. Collection method: clinical testing. Allele origin: germline.
Comment: The p.V382I variant (also known as c.1144G>A), located in coding exon 10 of the PTPN11 gene, results from a G to A substitution at nucleotide position 1144. The valine at codon 382 is replaced by isoleucine, an amino acid with highly similar properties. This variant was detected in a prenatal specimen referred for genetic testing for Noonan syndrome and related disorders; however, details were limited (Leach NT et al. Genet Med, 2019 02;21:417-425). This amino acid position is not well conserved in available vertebrate species. In addition, this alteration is predicted to be tolerated by in silico analysis. Since supporting evidence is limited at this time, the clinical significance of this alteration remains unclear.

Blueprint Genetics
Classification: Uncertain significance. Last evaluated: 2024-10-22. Review status: criteria provided, single submitter. Criteria: ACMG Guidelines, 2015. Collection method: clinical testing. Allele origin: germline.

Fulgent Genetics
Classification: Uncertain significance for LEOPARD syndrome 1; Metachondromatosis; Noonan syndrome 1; Juvenile myelomonocytic leukemia. Last evaluated: 2022-02-10. Review status: criteria provided, single submitter. Criteria: ACMG Guidelines, 2015. Collection method: clinical testing. Allele origin: unknown.

CeGaT Center for Human Genetics Tuebingen
Classification: Uncertain significance. Last evaluated: 2021-12-01. Review status: criteria provided, single submitter. Criteria: CeGaT Center For Human Genetics Tuebingen Variant Classification Criteria Version 2. Collection method: clinical testing. Allele origin: germline. Affected: yes. Observed: 1 variant allele.

Eurofins Ntd Llc (ga)
Classification: Uncertain significance. Last evaluated: 2018-05-10. Review status: criteria provided, single submitter. Criteria: EGL ClinVar v180209 classification definitions. Collection method: clinical testing. Allele origin: germline. Observed: 1 variant allele, 1 heterozygote.

Literature cited by the submitters: PubMed 29907801 (cited by Ambry Genetics).